The following is an entry in ClinVar:

NM_000466.3(PEX1):c.1603A>G (p.Met535Val)

Gene: PEX1 (peroxisomal biogenesis factor 1; minus strand). Cytogenetic location: 7q21.2.
Variant type: single nucleotide variant.
Coding change: c.1603A>G on transcript NM_000466.3 (MANE Select); coding-DNA position 1603, A replaced by G.
Protein change: p.Met535Val; replaces methionine 535 with valine.
Molecular consequence: missense variant.
Genome position (GRCh38, 1-based): chr7:92,509,396, T>C on the plus strand (A>G on the coding strand, the complement: PEX1 is on the minus strand). VCF-style: chr7-92509396-T-C. GRCh37 (hg19) VCF-style: chr7-92138710-T-C.
Other names: c.1603A>G, p.Met535Val (NM_001282677.2); c.979A>G, p.Met327Val (NM_001282678.2); short protein forms M327V, M535V.
Identifiers: ClinVar variation 1930851 (VCV001930851.2), dbSNP rs139853655, ClinGen allele CA4341352.
Genomic context (GRCh38, chr7:92,509,396, plus strand): 5'-AGCTCAGCTTTAAAAAAGGAAGAATAAAGTCAATTTCCTCACTGTTTTCTTCTTTTACCA[T>C]AGGATCTAGAAGGACCTACAGTTGCAAGGAAAAATCAGTTTTACATTTCAAAGTATGTCT-3'
Protein context (NP_000457.1, residues 525-545): KTTIQVLLDP[Met535Val]VKEENSEEID

ClinVar aggregate classification (germline): Uncertain significance (1 of 4 stars; one submission).

Conditions:
Zellweger spectrum disorders (ZS). Also called: Zellweger Spectrum Disorder; Zellweger Spectrum; Zellweger Spectrum Disorder (ZSD); Zellweger syndrome. Identifiers: Orphanet 912, MedGen C0043459, MONDO:0019609.

Allele frequency attached by ClinVar (database versions not stated): TOPMed below 0.00001; ExAC 0.00001; gnomAD 0.00001; ESP Exome Variant Server 0.00008.
gnomAD v4.1: 5 of 1,610,882 alleles (0.00031%); highest among the groups gnomAD compares: Middle Eastern, 0.066%; no homozygotes.

Submission:

Labcorp Genetics (formerly Invitae), Labcorp
Classification: Uncertain significance for Zellweger spectrum disorders. Last evaluated: 2021-09-17. Review status: criteria provided, single submitter. Criteria: Invitae Variant Classification Sherloc (09022015). Collection method: clinical testing. Allele origin: germline.
Comment: This sequence change replaces methionine with valine at codon 535 of the PEX1 protein (p.Met535Val). The methionine residue is weakly conserved and there is a small physicochemical difference between methionine and valine. This variant is present in population databases (rs139853655, ExAC 0.01%). This variant has not been reported in the literature in individuals with PEX1-related conditions. Algorithms developed to predict the effect of missense changes on protein structure and function output the following: SIFT: "Tolerated"; PolyPhen-2: "Benign"; Align-GVGD: "Class C0". The valine amino acid residue is found in multiple mammalian species, suggesting that this missense change does not adversely affect protein function. These predictions have not been confirmed by published functional studies and their clinical significance is uncertain. In summary, the available evidence is currently insufficient to determine the role of this variant in disease. Therefore, it has been classified as a Variant of Uncertain Significance.